The following is an entry in ClinVar:

ClinVar aggregate classification (germline): Uncertain significance (1 of 4 stars; one submission).

Conditions:
Familial thoracic aortic aneurysm and aortic dissection (TAAD). Also called: Thoracic aortic aneurysms and dissections. Identifiers: Orphanet 91387, MedGen C4707243, MONDO:0019625.

Submission:

Ambry Genetics
Classification: Uncertain significance for Familial thoracic aortic aneurysm and aortic dissection. Last evaluated: 2025-05-26. Review status: criteria provided, single submitter. Criteria: Ambry Variant Classification Scheme 2023. Collection method: clinical testing. Allele origin: germline.
Comment: The p.L281H variant (also known as c.842T>A), located in coding exon 5 of the TGFB2 gene, results from a T to A substitution at nucleotide position 842. The leucine at codon 281 is replaced by histidine, an amino acid with similar properties. This amino acid position is conserved. In addition, this alteration is predicted to be deleterious by in silico analysis. Based on the available evidence, the clinical significance of this variant remains unclear.

NM_003238.6(TGFB2):c.842T>A (p.Leu281His)

Gene: TGFB2 (transforming growth factor beta 2; plus strand). Cytogenetic location: 1q41.
Variant type: single nucleotide variant.
Coding change: c.842T>A on transcript NM_003238.6 (MANE Select); coding-DNA position 842, T replaced by A.
Protein change: p.Leu281His; replaces leucine 281 with histidine.
Molecular consequence: missense variant.
Genome position (GRCh38, 1-based): chr1:218,436,057, T>A. VCF-style: chr1-218436057-T-A. GRCh37 (hg19) VCF-style: chr1-218609399-T-A.
Other names: c.926T>A, p.Leu309His (NM_001135599.4); short protein forms L309H, L281H.
Identifiers: ClinVar variation 3968064 (VCV003968064.1).